The following is an entry in ClinVar:

ClinVar aggregate classification (germline): Uncertain significance (1 of 4 stars; one submission).

Submission:

Labcorp Genetics (formerly Invitae), Labcorp
Classification: Uncertain significance. Last evaluated: 2022-11-15. Review status: criteria provided, single submitter. Criteria: Invitae Variant Classification Sherloc (09022015). Collection method: clinical testing. Allele origin: germline.
Comment: This sequence change creates a premature translational stop signal (p.Gln372Argfs*7) in the MTOR gene. It is expected to result in an absent or disrupted protein product. However, the current clinical and genetic evidence is not sufficient to establish whether loss-of-function variants in MTOR cause disease. This variant is not present in population databases (gnomAD no frequency). This variant has not been reported in the literature in individuals affected with MTOR-related conditions. In summary, the available evidence is currently insufficient to determine the role of this variant in disease. Therefore, it has been classified as a Variant of Uncertain Significance.

NM_004958.4(MTOR):c.1114del (p.Gln372fs)

Gene: MTOR (mechanistic target of rapamycin kinase; minus strand). Cytogenetic location: 1p36.22.
Variant type: Deletion.
Coding change: c.1114del on transcript NM_004958.4 (MANE Select); coding-DNA position 1114, one base deleted (C; older notation c.1114delC).
Protein change: p.Gln372fs; shifts the reading frame from glutamine 372.
Molecular consequence: frameshift variant. On other transcripts: 5 prime UTR variant (1).
Genome position (GRCh38, 1-based): chr1:11,247,821, G deleted on the plus strand (C on the coding strand, the reverse complement: MTOR is on the minus strand). VCF-style (leftmost placement, unchanged base first): chr1-11247820-TG-T. GRCh37 (hg19) VCF-style: chr1-11307877-TG-T.
Other names: c.1114del, p.Gln372fs (NM_001386500.1); c.-26del (NM_001386501.1); short protein forms Q372fs.
Identifiers: ClinVar variation 2814473 (VCV002814473.3), dbSNP rs2523387256, ClinGen allele CA2739272278.
Genomic context (GRCh38, chr1:11,247,820, plus strand): 5'-CAGGGGAAAAGTGAGGTGTGGAGCTTAGGAAAAGAGGGAAAGGGCCTCTCACCACTTACC[TG>T]ATCAAATTTCTCCTCCATCAAGTCTCTGCAACACCGGCTCTCCACCAGGGTGGACTTAGC-3'